The following is an entry in ClinVar:

NM_000138.5(FBN1):c.4336+3A>G

Genes: FBN1 (fibrillin 1; minus strand), LOC126862124 (CDK7 strongly-dependent group 2 enhancer GRCh37_chr15:48764566-48765765; plus strand). Cytogenetic location: 15q21.1.
Variant type: single nucleotide variant.
Coding change: c.4336+3A>G on transcript NM_000138.5 (MANE Select); 3 bases into the intron after coding-DNA position 4336, A replaced by G.
Molecular consequence: intron variant.
Genome position (GRCh38, 1-based): chr15:48,472,548, T>C on the plus strand (A>G on the coding strand, the complement: FBN1 is on the minus strand). VCF-style: chr15-48472548-T-C. GRCh37 (hg19) VCF-style: chr15-48764745-T-C.
Identifiers: ClinVar variation 1171835 (VCV001171835.4), dbSNP rs2141277819, ClinGen allele CA2499222990.
Genomic context (GRCh38, chr15:48,472,548, plus strand): 5'-ATGTTTAAATAACCTAATCTCATCAAGCCCAGCAAGGCTCCCAGTGGCTTCCCCATCAGT[T>C]ACCTTCACAGGCTTTCCCGTCAGCACTGGGCACGAAGCCCATGTCGCATTCACAGCGGTA-3'

ClinVar aggregate classification (germline): Uncertain significance. Review status: criteria provided, multiple submitters, no conflicts (2 of 4 stars). 3 submissions from 3 submitters: Uncertain significance (3). Last evaluated 2025-11-04.

Conditions:
Familial thoracic aortic aneurysm and aortic dissection (TAAD). Also called: Thoracic aortic aneurysms and dissections. Identifiers: Orphanet 91387, MedGen C4707243, MONDO:0019625.

gnomAD v4.1: 1 of 1,613,328 alleles (0.000062%); no homozygotes.

Submissions (3):

Women's Health and Genetics/Laboratory Corporation of America, LabCorp
Classification: Uncertain significance. Last evaluated: 2025-11-04. Review status: criteria provided, single submitter. Criteria: LabCorp Variant Classification Summary - May 2015. Collection method: clinical testing. Allele origin: germline.
Comment: Variant summary: FBN1 c.4336+3A>G alters a conserved nucleotide located close to a canonical splice site and therefore could affect mRNA splicing, leading to a significantly altered protein sequence. Several computational tools predict a significant impact on normal splicing: One predict the variant abolishes a 5' splicing donor site. Two predict the variant weakens a 5' donor site. One predict the variant no significant impact on splicing. However, these predictions have yet to be confirmed by functional studies. The variant was absent in 251112 control chromosomes. The available data on variant occurrences in the general population are insufficient to allow any conclusion about variant significance. To our knowledge, no occurrence of c.4336+3A>G in individuals affected with FBN1-related conditions and no experimental evidence demonstrating its impact on protein function have been reported. ClinVar contains an entry for this variant (Variation ID: 1171835). Based on the evidence outlined above, the variant was classified as uncertain significance.

Centre of Medical Genetics, University of Antwerp
Classification: Uncertain significance for Familial thoracic aortic aneurysm and aortic dissection. Last evaluated: 2024-09-06. Review status: criteria provided, single submitter. Criteria: ACMG Guidelines, 2015. Collection method: clinical testing. Allele origin: germline. Affected: yes.

Color Diagnostics, LLC DBA Color Health
Classification: Uncertain significance for Familial thoracic aortic aneurysm and aortic dissection. Last evaluated: 2021-01-11. Review status: criteria provided, single submitter. Criteria: ACMG Guidelines, 2015. Collection method: clinical testing. Allele origin: germline.
Comment: This variant causes an A to G nucleotide substitution at the +3 position of intron 35 of the FBN1 gene. Splice site prediction tools are inconclusive regarding the impact of this variant on RNA splicing. To our knowledge, functional studies have not been reported for this variant. This variant has not been reported in individuals affected with cardiovascular disorders in the literature. This variant has not been identified in the general population by the Genome Aggregation Database (gnomAD). The available evidence is insufficient to determine the role of this variant in disease conclusively. Therefore, this variant is classified as a Variant of Uncertain Significance.